The following is an entry in ClinVar:

NM_001353788.2(APBA2):c.1536C>T (p.Ile512=)

Gene: APBA2 (amyloid beta precursor protein binding family A member 2; plus strand). Cytogenetic location: 15q13.1.
Variant type: single nucleotide variant.
Coding change: c.1536C>T on transcript NM_001353788.2 (MANE Select); coding-DNA position 1536, C replaced by T.
Protein change: p.Ile512=; no amino-acid change (isoleucine 512 retained).
Molecular consequence: synonymous variant.
Genome position (GRCh38, 1-based): chr15:29,105,390, C>T. VCF-style: chr15-29105390-C-T. GRCh37 (hg19) VCF-style: chr15-29397593-C-T.
Other names: c.1500C>T, p.Ile500= (NM_001130414.1, NM_001353792.2, NM_001353793.2 and 1 more transcripts); c.1536C>T, p.Ile512= (NM_001353789.2, NM_001353790.2, NM_001353791.2 and 2 more transcripts); c.648C>T, p.Ile216= (NM_001353796.2); c.612C>T, p.Ile204= (NM_001353797.2).
Identifiers: ClinVar variation 781836 (VCV000781836.7), dbSNP rs35322773, ClinGen allele CA7445477.

ClinVar aggregate classification (germline): Benign. Review status: criteria provided, multiple submitters, no conflicts (2 of 4 stars). 3 submissions from 3 submitters: Benign (2). 1 of the submissions does not count toward it. Last evaluated 2019-12-31.

Conditions:
APBA2-related disorder. Also called: APBA2-related condition.

Allele frequency attached by ClinVar (database versions not stated): 1000 Genomes Project 30x 0.01827; gnomAD 0.02023 and 0.01902; TOPMed 0.02115; gnomAD exomes 0.00820 and 0.00875; 1000 Genomes Project 0.01478; ExAC 0.00984; ESP Exome Variant Server 0.01984.
gnomAD v4.1: 15,008 of 1,611,554 alleles (0.93%); highest among the groups gnomAD compares: African/African-American, 4.9%; 153 homozygotes.

Submissions (3):

Labcorp Genetics (formerly Invitae), Labcorp
Classification: Benign. Last evaluated: 2019-12-31. Review status: criteria provided, single submitter. Criteria: Invitae Variant Classification Sherloc (09022015). Collection method: clinical testing. Allele origin: germline.

Breakthrough Genomics
Classification: Benign. Review status: criteria provided, single submitter. Criteria: ACMG Guidelines, 2015. Collection method: not provided. Allele origin: germline. Inheritance: Unknown mechanism. Affected: yes.

PreventionGenetics, part of Exact Sciences
Classification: Benign for APBA2-related condition. Last evaluated: 2019-03-29. Review status: no assertion criteria provided. Collection method: clinical testing. Allele origin: germline. Not counted in ClinVar's aggregate classification.
Comment: This variant is classified as benign based on ACMG/AMP sequence variant interpretation guidelines (Richards et al. 2015 PMID: 25741868, with internal and published modifications).